The following is an entry in ClinVar:

NM_005204.4(MAP3K8):c.1129C>T (p.Pro377Ser)

Gene: MAP3K8 (mitogen-activated protein kinase kinase kinase 8; plus strand). Cytogenetic location: 10p11.23.
Variant type: single nucleotide variant.
Coding change: c.1129C>T on transcript NM_005204.4 (MANE Select); coding-DNA position 1129, C replaced by T.
Protein change: p.Pro377Ser; replaces proline 377 with serine.
Molecular consequence: missense variant.
Genome position (GRCh38, 1-based): chr10:30,459,357, C>T. VCF-style: chr10-30459357-C-T. GRCh37 (hg19) VCF-style: chr10-30748286-C-T.
Other names: c.1129C>T, p.Pro377Ser (NM_001244134.1, NM_001320961.2); short protein forms P377S.
Identifiers: ClinVar variation 1937515 (VCV001937515.5), dbSNP rs143874924, ClinGen allele CA205304187.

ClinVar aggregate classification (germline): Uncertain significance (1 of 4 stars; one submission).

Allele frequency attached by ClinVar (database versions not stated): gnomAD exomes below 0.00001; TOPMed 0.00001.
gnomAD v4.1: 1 of 1,614,094 alleles (0.000062%); highest among the groups gnomAD compares: Non-Finnish European, 0.000085%; no homozygotes.

Submission:

Labcorp Genetics (formerly Invitae), Labcorp
Classification: Uncertain significance. Last evaluated: 2022-08-07. Review status: criteria provided, single submitter. Criteria: Invitae Variant Classification Sherloc (09022015). Collection method: clinical testing. Allele origin: germline.
Comment: In summary, the available evidence is currently insufficient to determine the role of this variant in disease. Therefore, it has been classified as a Variant of Uncertain Significance. Algorithms developed to predict the effect of missense changes on protein structure and function (SIFT, PolyPhen-2, Align-GVGD) all suggest that this variant is likely to be tolerated. This variant has not been reported in the literature in individuals affected with MAP3K8-related conditions. This variant is not present in population databases (gnomAD no frequency). This sequence change replaces proline, which is neutral and non-polar, with serine, which is neutral and polar, at codon 377 of the MAP3K8 protein (p.Pro377Ser).